The following is an entry in ClinVar:

NM_000540.3(RYR1):c.13622del (p.Phe4541fs)

Gene: RYR1 (ryanodine receptor 1; plus strand). Cytogenetic location: 19q13.2.
Variant type: Deletion.
Coding change: c.13622del on transcript NM_000540.3 (MANE Select); coding-DNA position 13622, one base deleted (T; older notation c.13622delT).
Protein change: p.Phe4541fs; shifts the reading frame from phenylalanine 4541.
Molecular consequence: frameshift variant.
Genome position (GRCh38, 1-based): chr19:38,567,880, T deleted; the last of 2 consecutive T bases (chr19:38,567,879-38,567,880); deleting either gives the same sequence. VCF-style (leftmost placement, unchanged base first): chr19-38567878-AT-A. GRCh37 (hg19) VCF-style: chr19-39058518-AT-A.
Other names: p.Phe4541Serfs*10; c.13607del, p.Phe4536fs (NM_001042723.2); short protein forms F4536fs, F4541fs.
Identifiers: ClinVar variation 4530687 (VCV004530687.1).
Genomic context (GRCh38, chr19:38,567,878, plus strand): 5'-GCCCCCCAAGAAGCAAGCACCTCCCTCACCCCCTCCAAAGAAGGAGGAAGCTGGAGGCGA[AT>A]TCTGGGGAGAACTGGAGGTGCAGAGGGTGAAGTTCCTGGTAAGGATCCAGCCAGGTCACC-3'

ClinVar aggregate classification (germline): Likely pathogenic (1 of 4 stars; one submission).

Conditions:
Hypohidrotic Ectodermal Dysplasia, Dominant.

Submission:

Department of Pathophysiology and Transplantation, IRCCS Foundation Ca' Granda Ospedale Maggiore Policlinico
Classification: Likely pathogenic. Last evaluated: 2025-11-19. Review status: criteria provided, single submitter. Criteria: ACMG Guidelines, 2015. Collection method: research. Allele origin: germline. Affected: yes. Observed: 1 variant allele.
Comment: The NM_000540.3: c.13622del (coding exon 93) is a frameshift variant in RYR1 introducing a premature stop p.Phe4541Serfs*10 in the protein sequence. cDNA analysis confirmed mRNA decay. The variant was identified in heterozigous state, in combination with an other heterozigous variant c.325C>T. We could not perform the segregation analysis. Western blot and immunofluorescent studies revealed the halving of RyR1 and DHPR protein level and a peculiar aggregation of DHPR in some fibres. The ultrastructural analysis showed core areas of variable size, irregular network of myofilaments and Z-line thickening. This variant is new and it is not present in gnomAD. It meets criteria ACMG/AMP to be classified as Likely Pathogenic-PVS1-PM2.